The following is an entry in ClinVar:

NM_006269.2(RP1):c.5513G>A (p.Arg1838His)

Genes: RP1 (RP1 axonemal microtubule associated; plus strand), LOC126860392 (CDK7 strongly-dependent group 2 enhancer GRCh37_chr8:55541319-55542518; plus strand). Cytogenetic location: 8q12.1.
Variant type: single nucleotide variant.
Coding change: c.5513G>A on transcript NM_006269.2 (MANE Select); coding-DNA position 5513, G replaced by A.
Protein change: p.Arg1838His; replaces arginine 1838 with histidine.
Molecular consequence: missense variant. On other transcripts: intron variant (1).
Genome position (GRCh38, 1-based): chr8:54,629,395, G>A. VCF-style: chr8-54629395-G-A. GRCh37 (hg19) VCF-style: chr8-55541955-G-A.
Other names: c.787+7107G>A (NM_001375654.1); c.5513G>A (NM_006269.1); short protein forms R1838H.
Identifiers: ClinVar variation 1915615 (VCV001915615.6), dbSNP rs576959220, ClinGen allele CA4752083.

ClinVar aggregate classification (germline): Conflicting classifications of pathogenicity. Review status: criteria provided, conflicting classifications (1 of 4 stars). 2 submissions from 2 submitters: Uncertain significance (1); Likely benign (1). Last evaluated 2025-09-28.

Conditions:
Inborn genetic diseases. Identifiers: MedGen C0950123, MeSH D030342.

Allele frequency attached by ClinVar (database versions not stated): gnomAD exomes below 0.00001; ExAC 0.00002; 1000 Genomes Project 0.00020; 1000 Genomes Project 30x 0.00031.
gnomAD v4.1: 14 of 1,614,068 alleles (0.00087%); highest among the groups gnomAD compares: African/African-American, 0.0053%; no homozygotes.

Submissions (2):

Ambry Genetics
Classification: Likely benign for Inborn genetic diseases. Last evaluated: 2025-09-28. Review status: criteria provided, single submitter. Criteria: Ambry Variant Classification Scheme 2023. Collection method: clinical testing. Allele origin: germline.

Labcorp Genetics (formerly Invitae), Labcorp
Classification: Uncertain significance. Last evaluated: 2024-03-23. Review status: criteria provided, single submitter. Criteria: Invitae Variant Classification Sherloc (09022015). Collection method: clinical testing. Allele origin: germline.
Comment: This sequence change replaces arginine, which is basic and polar, with histidine, which is basic and polar, at codon 1838 of the RP1 protein (p.Arg1838His). This variant is present in population databases (rs576959220, gnomAD 0.004%). This variant has not been reported in the literature in individuals affected with RP1-related conditions. ClinVar contains an entry for this variant (Variation ID: 1915615). Algorithms developed to predict the effect of missense changes on protein structure and function output the following: SIFT: "Not Available"; PolyPhen-2: "Benign"; Align-GVGD: "Not Available". The histidine amino acid residue is found in multiple mammalian species, which suggests that this missense change does not adversely affect protein function. In summary, the available evidence is currently insufficient to determine the role of this variant in disease. Therefore, it has been classified as a Variant of Uncertain Significance.